The following is an entry in ClinVar:

NM_001114753.3(ENG):c.1786A>G (p.Thr596Ala)

Gene: ENG (endoglin; minus strand). Cytogenetic location: 9q34.11.
Variant type: single nucleotide variant.
Coding change: c.1786A>G on transcript NM_001114753.3 (MANE Select); coding-DNA position 1786, A replaced by G.
Protein change: p.Thr596Ala; replaces threonine 596 with alanine.
Molecular consequence: missense variant.
Genome position (GRCh38, 1-based): chr9:127,816,009, T>C on the plus strand (A>G on the coding strand, the complement: ENG is on the minus strand). VCF-style: chr9-127816009-T-C. GRCh37 (hg19) VCF-style: chr9-130578288-T-C.
Other names: c.1786A>G, p.Thr596Ala (NM_000118.4); c.1240A>G, p.Thr414Ala (NM_001278138.2); short protein forms T414A, T596A.
Identifiers: ClinVar variation 949981 (VCV000949981.11), dbSNP rs1830302512, ClinGen allele CA374972121.

ClinVar aggregate classification (germline): Uncertain significance (1 of 4 stars; one submission).

Conditions:
Hereditary hemorrhagic telangiectasia (HHT). Also called: ORW DISEASE; Osler Weber Rendu syndrome; OSLER-RENDU-WEBER DISEASE; Osler hemorrhagic telangiectasia syndrome. Identifiers: Orphanet 774, MedGen C0039445, MONDO:0019180. Disease mechanism: loss of function.

gnomAD v4.1: 1 of 1,610,726 alleles (0.000062%); no homozygotes.

Submission:

Labcorp Genetics (formerly Invitae), Labcorp
Classification: Uncertain significance for Hereditary hemorrhagic telangiectasia. Last evaluated: 2019-07-24. Review status: criteria provided, single submitter. Criteria: Invitae Variant Classification Sherloc (09022015). Collection method: clinical testing. Allele origin: germline.
Comment: Algorithms developed to predict the effect of missense changes on protein structure and function output the following: SIFT: "Tolerated"; PolyPhen-2: "Benign"; Align-GVGD: "Class C0". The alanine amino acid residue is found in multiple mammalian species, suggesting that this missense change does not adversely affect protein function. These predictions have not been confirmed by published functional studies and their clinical significance is uncertain. In summary, the available evidence is currently insufficient to determine the role of this variant in disease. Therefore, it has been classified as a Variant of Uncertain Significance. This variant has not been reported in the literature in individuals with ENG-related conditions. This variant is not present in population databases (ExAC no frequency). This sequence change replaces threonine with alanine at codon 596 of the ENG protein (p.Thr596Ala). The threonine residue is highly conserved and there is a small physicochemical difference between threonine and alanine.